The following is an entry in ClinVar:

ClinVar aggregate classification (germline): Pathogenic. Review status: criteria provided, multiple submitters, no conflicts (2 of 4 stars). 5 submissions from 5 submitters: Pathogenic (4). 1 of the submissions does not count toward it. Last evaluated 2026-03-20.

Conditions:
L-2-hydroxyglutaric aciduria (L2HGA). Identifiers: Orphanet 79314, MedGen C1855995, MONDO:0009370, OMIM 236792, HP:0040144.

Allele frequency attached by ClinVar (database versions not stated): gnomAD exomes below 0.00001.

Submissions (5):

Clinical Genetics Laboratory, Skane University Hospital Lund
Classification: Pathogenic for L-2-hydroxyglutaric aciduria. Last evaluated: 2026-03-20. Review status: criteria provided, single submitter. Criteria: ACMG Guidelines, 2015. Collection method: clinical testing. Allele origin: germline. Inheritance: Autosomal recessive inheritance. Affected: yes.
Comment: L2HGDH (NM_024884.3) c.1115del, p.(Met372Serfs*11) represents a deletion of 1 base pair in exon 9 of 10, leading to a frameshift and a premature stop codon, and thus a truncated protein or loss of protein expression from the allele. L2HGDH c.1115del has previously been detected at low allele frequency in the general population and has been described in the literature (PMID: 15385440, 28097321), as well as reported as pathogenic in the ClinVar database. L2HGDH c.1115del has also been shown to segregate with disease in a family (PMID: 28097321). The variant has been classified as pathogenic according to the following ACMG criteria: PVS1_Strong, PM2, PM3, PP1_Moderate.

Women's Health and Genetics/Laboratory Corporation of America, LabCorp
Classification: Pathogenic for L-2-hydroxyglutaric aciduria. Last evaluated: 2024-08-05. Review status: criteria provided, single submitter. Criteria: LabCorp Variant Classification Summary - May 2015. Collection method: clinical testing. Allele origin: germline.
Comment: Variant summary: L2HGDH c.1115delT (p.Met372SerfsX11) results in a premature termination codon, predicted to cause a truncation of the encoded protein or absence of the protein. The variant was absent in 251126 control chromosomes. c.1115delT has been reported in the literature in multiple individuals affected with L-2 Aciduria (examples: Topcu_2004). These data indicate that the variant is very likely to be associated with disease. The following publication has been ascertained in the context of this evaluation (PMID: 15385440). ClinVar contains an entry for this variant (Variation ID: 1608). Based on the evidence outlined above, the variant was classified as pathogenic.

Institute of Human Genetics, University of Leipzig Medical Center
Classification: Pathogenic for L-2-hydroxyglutaric aciduria. Last evaluated: 2020-03-01. Review status: criteria provided, single submitter. Criteria: ACMG Guidelines, 2015. Collection method: clinical testing. Allele origin: biparental. Inheritance: Autosomal recessive inheritance. Affected: yes.
Comment: Review of the variants reported in Reuter et al., 2017, PMID: 28097321: PVS1,PM2,PM3,PP1

Genetic Services Laboratory, University of Chicago
Classification: Pathogenic for L-2-hydroxyglutaric aciduria. Last evaluated: 2017-06-07. Review status: criteria provided, single submitter. Criteria: ACMG Guidelines, 2015. Collection method: clinical testing. Allele origin: germline. Affected: yes.

OMIM
Classification: Pathogenic for L-2-HYDROXYGLUTARIC ACIDURIA. Last evaluated: 2004-11-15. Review status: no assertion criteria provided. Collection method: literature only. Allele origin: germline. Not counted in ClinVar's aggregate classification.

Literature cited by the submitters: PubMed 15385440 (cited by Women's Health and Genetics/Laboratory Corporation of America, LabCorp and OMIM).

NM_024884.3(L2HGDH):c.1115del (p.Met372fs)

Gene: L2HGDH (L-2-hydroxyglutarate dehydrogenase; minus strand). Cytogenetic location: 14q21.3.
Variant type: Deletion.
Coding change: c.1115del on transcript NM_024884.3 (MANE Select); coding-DNA position 1115, one base deleted (T; older notation c.1115delT).
Protein change: p.Met372fs; shifts the reading frame from methionine 372.
Molecular consequence: frameshift variant.
Genome position (GRCh38, 1-based): chr14:50,265,439, A deleted on the plus strand (T on the coding strand, the reverse complement: L2HGDH is on the minus strand). VCF-style (leftmost placement, unchanged base first): chr14-50265438-CA-C. GRCh37 (hg19) VCF-style: chr14-50732156-CA-C.
Other names: L2HGDH, 1-BP DEL, 1115T; c.1115delT (NM_024884.2, NM_024884.3); short protein forms M372fs.
Identifiers: ClinVar variation 1608 (VCV000001608.10), dbSNP rs786200869, ClinGen allele CA212777.